The following is an entry in ClinVar:

NM_002432.3(MNDA):c.380G>C (p.Arg127Thr)

Gene: MNDA (myeloid cell nuclear differentiation antigen; plus strand). Cytogenetic location: 1q23.1.
Variant type: single nucleotide variant.
Coding change: c.380G>C on transcript NM_002432.3 (MANE Select); coding-DNA position 380, G replaced by C.
Protein change: p.Arg127Thr; replaces arginine 127 with threonine.
Molecular consequence: missense variant.
Genome position (GRCh38, 1-based): chr1:158,843,393, G>C. VCF-style: chr1-158843393-G-C. GRCh37 (hg19) VCF-style: chr1-158813183-G-C.
Other names: short protein forms R127T.
Identifiers: ClinVar variation 1735143 (VCV001735143.2), dbSNP rs867442322, ClinGen allele CA343038793.

ClinVar aggregate classification (germline): Uncertain significance (1 of 4 stars; one submission).

Submission:

Ambry Genetics
Classification: Uncertain significance. Last evaluated: 2022-06-20. Review status: criteria provided, single submitter. Criteria: Ambry Variant Classification Scheme 2023. Collection method: clinical testing. Allele origin: germline.
Comment: The p.R127T variant (also known as c.380G>C), located in coding exon 2 of the MNDA gene, results from a G to C substitution at nucleotide position 380. The arginine at codon 127 is replaced by threonine, an amino acid with similar properties. This amino acid position is conserved. In addition, this alteration is predicted to be tolerated by in silico analysis. Since supporting evidence is limited at this time, the clinical significance of this alteration remains unclear.